The following is an entry in ClinVar:

NM_005655.4(KLF10):c.812C>G (p.Pro271Arg)

Gene: KLF10 (KLF transcription factor 10; minus strand). Cytogenetic location: 8q22.3.
Variant type: single nucleotide variant.
Coding change: c.812C>G on transcript NM_005655.4 (MANE Select); coding-DNA position 812, C replaced by G.
Protein change: p.Pro271Arg; replaces proline 271 with arginine.
Molecular consequence: missense variant.
Genome position (GRCh38, 1-based): chr8:102,651,520, G>C on the plus strand (C>G on the coding strand, the complement: KLF10 is on the minus strand). VCF-style: chr8-102651520-G-C. GRCh37 (hg19) VCF-style: chr8-103663748-G-C.
Other names: c.779C>G, p.Pro260Arg (NM_001032282.4); short protein forms P260R, P271R.
Identifiers: ClinVar variation 2906398 (VCV002906398.3), dbSNP rs777219729, ClinGen allele CA4833537.
Genomic context (GRCh38, chr8:102,651,520, plus strand): 5'-GGAACGACTGTTGTCACAACAGGGTTGTTGGCAGGAAGGGGAACCATCTGGCAGATGACC[G>C]GCATAGGTGGCACTCCCCCTGCAGATACTGCAGGTGGAGAGACCAACACTGACTTCTGTT-3'
Protein context (NP_005646.1, residues 261-281): AVSAGGVPPM[Pro271Arg]VICQMVPLPA

ClinVar aggregate classification (germline): Uncertain significance (1 of 4 stars; one submission).

Allele frequency attached by ClinVar (database versions not stated): ExAC 0.00001.
gnomAD v4.1: 9 of 1,613,028 alleles (0.00056%); highest among the groups gnomAD compares: Non-Finnish European, 0.00076%; no homozygotes.

Submission:

Labcorp Genetics (formerly Invitae), Labcorp
Classification: Uncertain significance. Last evaluated: 2024-02-29. Review status: criteria provided, single submitter. Criteria: Invitae Variant Classification Sherloc (09022015). Collection method: clinical testing. Allele origin: germline.
Comment: This sequence change replaces proline, which is neutral and non-polar, with arginine, which is basic and polar, at codon 271 of the KLF10 protein (p.Pro271Arg). This variant is present in population databases (rs777219729, gnomAD 0.0009%). This variant has not been reported in the literature in individuals affected with KLF10-related conditions. An algorithm developed to predict the effect of missense changes on protein structure and function (PolyPhen-2) suggests that this variant is likely to be disruptive. In summary, the available evidence is currently insufficient to determine the role of this variant in disease. Therefore, it has been classified as a Variant of Uncertain Significance.